The following is an entry in ClinVar:

NM_001040450.3(MINDY2):c.1259C>A (p.Ala420Asp)

Gene: MINDY2 (MINDY lysine 48 deubiquitinase 2; plus strand). Cytogenetic location: 15q22.1.
Variant type: single nucleotide variant.
Coding change: c.1259C>A on transcript NM_001040450.3 (MANE Select); coding-DNA position 1259, C replaced by A.
Protein change: p.Ala420Asp; replaces alanine 420 with aspartic acid.
Molecular consequence: missense variant.
Genome position (GRCh38, 1-based): chr15:58,831,807, C>A. VCF-style: chr15-58831807-C-A. GRCh37 (hg19) VCF-style: chr15-59124006-C-A.
Other names: c.1259C>A, p.Ala420Asp (NM_001040453.3); short protein forms A420D.
Identifiers: ClinVar variation 4851703 (VCV004851703.1).

ClinVar aggregate classification (germline): Uncertain significance (1 of 4 stars; one submission).

Submission:

Greenwood Genetic Center Diagnostic Laboratories, Greenwood Genetic Center
Classification: Uncertain significance. Last evaluated: 2025-02-20. Review status: criteria provided, single submitter. Criteria: ACMG Guidelines, 2015. Collection method: clinical testing. Allele origin: germline.
Comment: Gene of Uncertain Significance